The following is an entry in ClinVar:

NM_002470.4(MYH3):c.417G>C (p.Val139=)

Gene: MYH3 (myosin heavy chain 3; minus strand). Cytogenetic location: 17p13.1.
Variant type: single nucleotide variant.
Coding change: c.417G>C on transcript NM_002470.4 (MANE Select); coding-DNA position 417, G replaced by C.
Protein change: p.Val139=; no amino-acid change (valine 139 retained).
Molecular consequence: synonymous variant.
Genome position (GRCh38, 1-based): chr17:10,651,600, C>G on the plus strand (G>C on the coding strand, the complement: MYH3 is on the minus strand). VCF-style: chr17-10651600-C-G. GRCh37 (hg19) VCF-style: chr17-10554917-C-G.
Identifiers: ClinVar variation 767566 (VCV000767566.9), dbSNP rs942862860, ClinGen allele CA287754185.

ClinVar aggregate classification (germline): Likely benign. Review status: criteria provided, single submitter (1 of 4 stars). 2 submissions from 2 submitters: Likely benign (1). 1 of the submissions does not count toward it. Last evaluated 2025-08-26.

Conditions:
MYH3-related disorder. Also called: MYH3-Related Disorders; MYH3-related condition. Identifiers: MedGen CN239329.

Allele frequency attached by ClinVar (database versions not stated): gnomAD exomes 0.00004 and 0.00002.
gnomAD v4.1: 56 of 1,613,982 alleles (0.0035%); highest among the groups gnomAD compares: Non-Finnish European, 0.0045%; no homozygotes.

Submissions (2):

Labcorp Genetics (formerly Invitae), Labcorp
Classification: Likely benign. Last evaluated: 2025-08-26. Review status: criteria provided, single submitter. Criteria: Invitae Variant Classification Sherloc (09022015). Collection method: clinical testing. Allele origin: germline.

PreventionGenetics, part of Exact Sciences
Classification: Likely benign for MYH3-related condition. Last evaluated: 2021-09-24. Review status: no assertion criteria provided. Collection method: clinical testing. Allele origin: germline. Not counted in ClinVar's aggregate classification.
Comment: This variant is classified as likely benign based on ACMG/AMP sequence variant interpretation guidelines (Richards et al. 2015 PMID: 25741868, with internal and published modifications).